The following is an entry in ClinVar:

NM_201384.3(PLEC):c.1990G>A (p.Glu664Lys)

Gene: PLEC (plectin; minus strand). Cytogenetic location: 8q24.3.
Variant type: single nucleotide variant.
Coding change: c.1990G>A on transcript NM_201384.3 (MANE Select); coding-DNA position 1990, G replaced by A.
Protein change: p.Glu664Lys; replaces glutamic acid 664 with lysine.
Molecular consequence: missense variant.
Genome position (GRCh38, 1-based): chr8:143,932,222, C>T on the plus strand (G>A on the coding strand, the complement: PLEC is on the minus strand). VCF-style: chr8-143932222-C-T. GRCh37 (hg19) VCF-style: chr8-145006390-C-T.
Other names: c.2002G>A, p.Glu668Lys (NM_201383.3); c.2071G>A, p.Glu691Lys (NM_000445.5, NM_001410941.1); c.1948G>A, p.Glu650Lys (NM_201378.4); c.1924G>A, p.Glu642Lys (NM_201379.3); c.2401G>A, p.Glu801Lys (NM_201380.4); c.1894G>A, p.Glu632Lys (NM_201381.3); c.1990G>A, p.Glu664Lys (NM_201382.4); short protein forms E642K, E632K, E650K, E668K, E801K, E664K, E691K.
Identifiers: ClinVar variation 4782797 (VCV004782797.1).

ClinVar aggregate classification (germline): Uncertain significance (1 of 4 stars; one submission).

Conditions:
Epidermolysis bullosa simplex with nail dystrophy (EBS5D). Identifiers: MedGen C4225309, MONDO:0014661, OMIM 616487.
Epidermolysis bullosa simplex, Ogna type (EBS5A). Also called: Pidermolysis bullosa simplex 5A, Ogna type; EPIDERMOLYSIS BULLOSA SIMPLEX 5A, OGNA TYPE. Identifiers: Orphanet 79401, MedGen C0432317, MONDO:0007555, OMIM 131950.
Epidermolysis bullosa simplex 5B, with muscular dystrophy (EBS5B). Also called: Epidermolysis bullosa simplex with muscular dystrophy; EPIDERMOLYSIS BULLOSA SIMPLEX AND LIMB-GIRDLE MUSCULAR DYSTROPHY. Identifiers: Orphanet 257, MedGen C2931072, MONDO:0009181, OMIM 226670.
Autosomal recessive limb-girdle muscular dystrophy type 2Q (LGMDR17). Also called: MUSCULAR DYSTROPHY, LIMB-GIRDLE, AUTOSOMAL RECESSIVE 17. Identifiers: Orphanet 254361, MedGen C3150989, MONDO:0013390, OMIM 613723.
Epidermolysis bullosa simplex 5C, with pyloric atresia (EBS5C). Also called: PLEC-Related Epidermolysis Bullosa with Pyloric Atresia; Epidermolysis bullosa simplex with pyloric atresia; PLEC1-Related Epidermolysis Bullosa with Pyloric Atresia. Identifiers: Orphanet 158684, MedGen C2677349, MONDO:0012807, OMIM 612138.

Submission:

Labcorp Genetics (formerly Invitae), Labcorp
Classification: Uncertain significance for Autosomal recessive limb-girdle muscular dystrophy type 2Q; Epidermolysis bullosa simplex, Ogna type; Epidermolysis bullosa simplex with nail dystrophy; Epidermolysis bullosa simplex 5C, with pyloric atresia; Epidermolysis bullosa simplex 5B, with muscular dystrophy. Last evaluated: 2025-11-16. Review status: criteria provided, single submitter. Criteria: Invitae Variant Classification Sherloc (09022015). Collection method: clinical testing. Allele origin: germline.
Comment: This sequence change replaces glutamic acid, which is acidic and polar, with lysine, which is basic and polar, at codon 691 of the PLEC protein (p.Glu691Lys). This variant is present in population databases (no rsID available, gnomAD 0.006%). This variant has not been reported in the literature in individuals affected with PLEC-related conditions. Invitae Evidence Modeling of protein sequence and biophysical properties (such as structural, functional, and spatial information, amino acid conservation, physicochemical variation, residue mobility, and thermodynamic stability) has been performed for this missense variant. However, the output from this modeling did not meet the statistical confidence thresholds required to predict the impact of this variant on PLEC protein function. In summary, the available evidence is currently insufficient to determine the role of this variant in disease. Therefore, it has been classified as a Variant of Uncertain Significance.